The following is an entry in ClinVar:

ClinVar aggregate classification (germline): Conflicting classifications of pathogenicity. Review status: criteria provided, conflicting classifications (1 of 4 stars). 2 submissions from 2 submitters: Uncertain significance (1); Likely benign (1). Last evaluated 2026-01-14.

Conditions:
Cardiovascular phenotype. Identifiers: MedGen CN230736.
Myofibrillar myopathy 5. Also called: Filaminopathy (type); FILAMINOPATHY, AUTOSOMAL DOMINANT. Identifiers: Orphanet 171445, MedGen C1836050, MONDO:0012289, OMIM 609524.
Hypertrophic cardiomyopathy 26. Also called: Cardiomyopathy, familial hypertrophic, 26. Identifiers: Orphanet 75249, MedGen C4310749, MONDO:0014883, OMIM 617047.
Distal myopathy with posterior leg and anterior hand involvement. Also called: WILLIAMS DISTAL MYOPATHY. Identifiers: Orphanet 63273, MedGen C3279722, MONDO:0013550, OMIM 614065.

Allele frequency attached by ClinVar (database versions not stated): gnomAD exomes below 0.00001; gnomAD 0.00001; TOPMed 0.00001.
gnomAD v4.1: 2 of 1,613,056 alleles (0.00012%); highest among the groups gnomAD compares: African/African-American, 0.0013%; no homozygotes.

Submissions (2):

Labcorp Genetics (formerly Invitae), Labcorp
Classification: Likely benign for Distal myopathy with posterior leg and anterior hand involvement; Myofibrillar myopathy 5; Hypertrophic cardiomyopathy 26. Last evaluated: 2026-01-14. Review status: criteria provided, single submitter. Criteria: Invitae Variant Classification Sherloc (09022015). Collection method: clinical testing. Allele origin: germline.

Ambry Genetics
Classification: Uncertain significance for Cardiovascular phenotype. Last evaluated: 2024-03-01. Review status: criteria provided, single submitter. Criteria: Ambry Variant Classification Scheme 2023. Collection method: clinical testing. Allele origin: germline.
Comment: The p.S78R variant (also known as c.232A>C), located in coding exon 1 of the FLNC gene, results from an A to C substitution at nucleotide position 232. The serine at codon 78 is replaced by arginine, an amino acid with dissimilar properties. This amino acid position is highly conserved in available vertebrate species. In addition, this alteration is predicted to be deleterious by in silico analysis. Since supporting evidence is limited at this time, the clinical significance of this alteration remains unclear.

NM_001458.5(FLNC):c.232A>C (p.Ser78Arg)

Gene: FLNC (filamin C; plus strand). Cytogenetic location: 7q32.1.
Variant type: single nucleotide variant.
Coding change: c.232A>C on transcript NM_001458.5 (MANE Select); coding-DNA position 232, A replaced by C.
Protein change: p.Ser78Arg; replaces serine 78 with arginine.
Molecular consequence: missense variant.
Genome position (GRCh38, 1-based): chr7:128,830,869, A>C. VCF-style: chr7-128830869-A-C. GRCh37 (hg19) VCF-style: chr7-128470923-A-C.
Other names: c.232A>C, p.Ser78Arg (NM_001127487.2); short protein forms S78R.
Identifiers: ClinVar variation 840101 (VCV000840101.12), dbSNP rs746082496, ClinGen allele CA166207212.
Genomic context (GRCh38, chr7:128,830,869, plus strand): 5'-ACCGACCTGCAGCGCGACCTCAGCGACGGGCTCCGGCTCATCGCGCTGCTCGAGGTGCTC[A>C]GCCAGAAGCGCATGTACCGCAAGTTCCATCCGCGCCCCAACTTCCGCCAAATGAAGCTGG-3'
Protein context (NP_001449.3, residues 68-88): LRLIALLEVL[Ser78Arg]QKRMYRKFHP